The following is an entry in ClinVar:

NC_000008.10:g.(?_90955471)_(90958533_?)del

Gene: NBN (nibrin; minus strand). Cytogenetic location: 8q21.3.
Variant type: Deletion.
Identifiers: ClinVar variation 2424464 (VCV002424464.4).

ClinVar aggregate classification (germline): Likely pathogenic (1 of 4 stars; one submission).

Conditions:
Microcephaly, normal intelligence and immunodeficiency (NBS). Also called: Nijmegen breakage syndrome; Microcephaly with normal intelligence immunodeficiency and lymphoreticular malignancies; Nonsyndromal microcephaly autosomal recessive with normal intelligence; Seemanova syndrome 2; IMMUNODEFICIENCY, MICROCEPHALY, AND CHROMOSOMAL INSTABILITY; Ataxia telangiectasia variant V1. Identifiers: Orphanet 647, MedGen C0398791, MONDO:0009623, OMIM 251260.

Submission:

Labcorp Genetics (formerly Invitae), Labcorp
Classification: Likely pathogenic for Microcephaly, normal intelligence and immunodeficiency. Last evaluated: 2022-06-27. Review status: criteria provided, single submitter. Criteria: Invitae Variant Classification Sherloc (09022015). Collection method: clinical testing. Allele origin: germline.
Comment: In summary, the currently available evidence indicates that the variant is pathogenic, but additional data are needed to prove that conclusively. Therefore, this variant has been classified as Likely Pathogenic. This variant disrupts the MRE11 interaction domain of the NBN protein, which has been shown to be essential for viability and tumor suppression (PMID: 28076792). While functional studies have not been performed to directly test the effect of this variant on NBN protein function, this suggests that disruption of this region of the protein is causative of disease. This variant has not been reported in the literature in individuals affected with NBN-related conditions. This variant is a gross deletion of the genomic region encompassing exon(s) 13-14 of the NBN gene. This variant would be expected to be in-frame, preserving the integrity of the reading frame.

Literature cited by the submitters: PubMed 28076792.